The following is an entry in ClinVar:

ClinVar aggregate classification (germline): Likely benign (1 of 4 stars; one submission).

gnomAD v4.1: 93 of 1,601,304 alleles (0.0058%); highest among the groups gnomAD compares: Non-Finnish European, 0.0077%; no homozygotes.

Submission:

Mayo Clinic Laboratories, Mayo Clinic
Classification: Likely benign. Last evaluated: 2024-12-24. Review status: criteria provided, single submitter. Criteria: ACMG Guidelines, 2015. Collection method: clinical testing. Allele origin: germline. Observed: 1 variant allele.
Comment: BS2, BP4, BP7

NM_005235.3(ERBB4):c.1716+6C>A

Gene: ERBB4 (erb-b2 receptor tyrosine kinase 4; minus strand). Cytogenetic location: 2q34.
Variant type: single nucleotide variant.
Coding change: c.1716+6C>A on transcript NM_005235.3 (MANE Select); 6 bases into the intron after coding-DNA position 1716, C replaced by A.
Molecular consequence: intron variant.
Genome position (GRCh38, 1-based): chr2:211,673,158, G>T on the plus strand (C>A on the coding strand, the complement: ERBB4 is on the minus strand). VCF-style: chr2-211673158-G-T. GRCh37 (hg19) VCF-style: chr2-212537883-G-T.
Other names: p.?; c.1716+6C>A (NM_001042599.2, NM_001439006.1, NM_001439005.1).
Identifiers: ClinVar variation 4684639 (VCV004684639.1).
Genomic context (GRCh38, chr2:211,673,158, plus strand): 5'-AATAATAACAAACATTCATACATGATACTAAATAAGCCAACACACCACAGATGTCTTCAG[G>T]CTTACCGGTCCATGGCATGTGAGGAGGCCATCTTCCATCTTCTCACACTGGGGGTCACAC-3'